The following is an entry in ClinVar:

ClinVar aggregate classification (germline): Benign/Likely benign. Review status: criteria provided, multiple submitters, no conflicts (2 of 4 stars). 5 submissions from 5 submitters: Benign (1); Likely benign (3). 1 of the submissions does not count toward it. Last evaluated 2026-01-11.

Conditions:
UNC13D-related disorder. Also called: UNC13D-related condition.
Familial hemophagocytic lymphohistiocytosis 3 (FHL3). Also called: UNC13D-Related Familial Hemophagocytic Lymphohistiocytosis (UNC13D-fHLH). Identifiers: Orphanet 540, MedGen C1837174, MONDO:0012146, OMIM 608898.

Allele frequency attached by ClinVar (database versions not stated): gnomAD exomes 0.00013 and 0.00082; gnomAD 0.00014; 1000 Genomes Project 0.00040; TOPMed 0.00043; 1000 Genomes Project 30x 0.00047; ExAC 0.00066.

Submissions (5):

Labcorp Genetics (formerly Invitae), Labcorp
Classification: Benign for Familial hemophagocytic lymphohistiocytosis 3. Last evaluated: 2026-01-11. Review status: criteria provided, single submitter. Criteria: Invitae Variant Classification Sherloc (09022015). Collection method: clinical testing. Allele origin: germline.

Mayo Clinic Laboratories, Mayo Clinic
Classification: Likely benign. Last evaluated: 2024-12-24. Review status: criteria provided, single submitter. Criteria: ACMG Guidelines, 2015. Collection method: clinical testing. Allele origin: germline. Observed: 2 variant alleles.
Comment: BS1, BP4, BP7

Blueprint Genetics
Classification: Likely benign. Last evaluated: 2022-08-08. Review status: criteria provided, single submitter. Criteria: ACMG Guidelines, 2015. Collection method: clinical testing. Allele origin: germline.

Illumina Laboratory Services, Illumina
Classification: Likely benign for Familial hemophagocytic lymphohistiocytosis 3. Last evaluated: 2018-01-12. Review status: criteria provided, single submitter. Criteria: ICSL Variant Classification Criteria 13 December 2019. Collection method: clinical testing. Allele origin: germline.
Comment: This variant was observed in the ICSL laboratory as part of a predisposition screen in an ostensibly healthy population. It had not been previously curated by ICSL or reported in the Human Gene Mutation Database (HGMD: prior to June 1st, 2018), and was therefore a candidate for classification through an automated scoring system. Utilizing variant allele frequency, disease prevalence and penetrance estimates, and inheritance mode, an automated score was calculated to assess if this variant is too frequent to cause the disease. Based on the score and internal cut-off values, a variant classified as likely benign is not then subjected to further curation. The score for this variant resulted in a classification of likely benign for this disease.

PreventionGenetics, part of Exact Sciences
Classification: Likely benign for UNC13D-related condition. Last evaluated: 2019-02-19. Review status: no assertion criteria provided. Collection method: clinical testing. Allele origin: germline. Not counted in ClinVar's aggregate classification.
Comment: This variant is classified as likely benign based on ACMG/AMP sequence variant interpretation guidelines (Richards et al. 2015 PMID: 25741868, with internal and published modifications).

Literature cited by the submitters: PubMed 24916509 (cited by Mayo Clinic Laboratories, Mayo Clinic).

NM_199242.3(UNC13D):c.2709+6G>T

Genes: UNC13D (unc-13 homolog D; minus strand), LOC112533672 (Sharpr-MPRA regulatory region 1193; plus strand). Cytogenetic location: 17q25.1.
Variant type: single nucleotide variant.
Coding change: c.2709+6G>T on transcript NM_199242.3 (MANE Select); 6 bases into the intron after coding-DNA position 2709, G replaced by T.
Molecular consequence: intron variant.
Genome position (GRCh38, 1-based): chr17:75,830,572, C>A on the plus strand (G>T on the coding strand, the complement: UNC13D is on the minus strand). VCF-style: chr17-75830572-C-A. GRCh37 (hg19) VCF-style: chr17-73826653-C-A.
Other names: p.?.
Identifiers: ClinVar variation 736052 (VCV000736052.18), dbSNP rs199529082, ClinGen allele CA8772430.